The following is an entry in ClinVar:

NM_000038.6(APC):c.6775A>C (p.Lys2259Gln)

Gene: APC (APC regulator of Wnt signaling pathway; plus strand). Cytogenetic location: 5q22.2.
Variant type: single nucleotide variant.
Coding change: c.6775A>C on transcript NM_000038.6 (MANE Select); coding-DNA position 6775, A replaced by C.
Protein change: p.Lys2259Gln; replaces lysine 2259 with glutamine.
Molecular consequence: missense variant. On other transcripts: non-coding transcript variant (2).
Genome position (GRCh38, 1-based): chr5:112,842,369, A>C. VCF-style: chr5-112842369-A-C. GRCh37 (hg19) VCF-style: chr5-112178066-A-C.
Other names: c.6652A>C, p.Lys2218Gln (NM_001354900.2); c.6598A>C, p.Lys2200Gln (NM_001354901.2, NM_001407453.1); c.6502A>C, p.Lys2168Gln (NM_001354902.2); c.6472A>C, p.Lys2158Gln (NM_001354903.2, NM_001407458.1, NM_001407459.1 and 1 more transcripts); c.6397A>C, p.Lys2133Gln (NM_001354904.2); c.6295A>C, p.Lys2099Gln (NM_001354905.2); c.5926A>C, p.Lys1976Gln (NM_001354906.2, NM_001407470.1); c.6859A>C, p.Lys2287Gln (NM_001407446.1); and 12 more; short protein forms K2099Q, K2168Q, K2200Q, K2231Q, K2234Q, K2259Q, K1875Q, K2130Q.
Identifiers: ClinVar variation 3635507 (VCV003635507.3).

ClinVar aggregate classification (germline): Uncertain significance. Review status: criteria provided, multiple submitters, no conflicts (2 of 4 stars). 2 submissions from 2 submitters: Uncertain significance (2). Last evaluated 2026-07-07.

Conditions:
Familial adenomatous polyposis 1 (FAP1). Also called: FAMILIAL ADENOMATOUS POLYPOSIS 1, ATTENUATED; POLYPOSIS, ADENOMATOUS INTESTINAL. Identifiers: MedGen C2713442, MONDO:0021056, OMIM 175100. Disease mechanism: loss of function.
Hereditary cancer-predisposing syndrome. Also called: Hereditary neoplastic syndrome; Neoplastic Syndromes, Hereditary; Tumor predisposition; Hereditary Cancer Syndrome. Identifiers: Orphanet 140162, MedGen C0027672, MeSH D009386, MONDO:0015356.

Submissions (2):

Ambry Genetics
Classification: Uncertain significance for Hereditary cancer-predisposing syndrome. Last evaluated: 2026-07-07. Review status: criteria provided, single submitter. Criteria: Ambry Variant Classification Scheme 2023. Collection method: clinical testing. Allele origin: germline.
Comment: The p.K2259Q variant (also known as c.6775A>C), located in coding exon 15 of the APC gene, results from an A to C substitution at nucleotide position 6775. The lysine at codon 2259 is replaced by glutamine, an amino acid with similar properties. This amino acid position is conserved. In addition, in silico predictors for this gene do not accurately predict pathogenicity. Based on the available evidence, the clinical significance of this variant remains unclear.

Labcorp Genetics (formerly Invitae), Labcorp
Classification: Uncertain significance for Familial adenomatous polyposis 1. Last evaluated: 2024-11-20. Review status: criteria provided, single submitter. Criteria: Invitae Variant Classification Sherloc (09022015). Collection method: clinical testing. Allele origin: germline.
Comment: This sequence change replaces lysine, which is basic and polar, with glutamine, which is neutral and polar, at codon 2259 of the APC protein (p.Lys2259Gln). This variant is not present in population databases (gnomAD no frequency). This variant has not been reported in the literature in individuals affected with APC-related conditions. Invitae Evidence Modeling of protein sequence and biophysical properties (such as structural, functional, and spatial information, amino acid conservation, physicochemical variation, residue mobility, and thermodynamic stability) indicates that this missense variant is not expected to disrupt APC protein function with a negative predictive value of 95%. In summary, the available evidence is currently insufficient to determine the role of this variant in disease. Therefore, it has been classified as a Variant of Uncertain Significance.